The following is an entry in ClinVar:

NM_030943.4(AMN):c.35del (p.Gln12fs)

Gene: AMN (amnion associated transmembrane protein; plus strand). Cytogenetic location: 14q32.32.
Variant type: Deletion.
Coding change: c.35del on transcript NM_030943.4 (MANE Select); coding-DNA position 35, one base deleted (A; older notation c.35delA).
Protein change: p.Gln12fs; shifts the reading frame from glutamine 12.
Molecular consequence: frameshift variant.
Genome position (GRCh38, 1-based): chr14:102,922,723, A deleted. VCF-style (leftmost placement, unchanged base first): chr14-102922722-CA-C. GRCh37 (hg19) VCF-style: chr14-103389059-CA-C.
Other names: short protein forms Q12fs.
Identifiers: ClinVar variation 873125 (VCV000873125.4), dbSNP rs769770182, ClinGen allele CA7359681.
Genomic context (GRCh38, chr14:102,922,722, plus strand): 5'-TGGTGGGGTGCAAGGAGCCGAGGCGAGATGGGCGTCCTGGGCCGGGTCCTGCTGTGGCTG[CA>C]GCTCTGCGGTGAGCCGGGACCACACCGGTGCGGGCCCGGACGGTAGCGGTCTGTCAGGAC-3'

ClinVar aggregate classification (germline): Pathogenic. Review status: criteria provided, single submitter (1 of 4 stars). 2 submissions from 2 submitters: Pathogenic (1). 1 of the submissions does not count toward it. Last evaluated 2024-01-27.

Conditions:
Imerslund-Grasbeck syndrome type 2. Also called: MEGALOBLASTIC ANEMIA, NORWEGIAN TYPE; Imerslund-Gräsbeck syndrome 2; Megaloblastic anemia 1, Norwegian type. Identifiers: MedGen C4016948, MONDO:0100157, OMIM 618882.
Imerslund-Grasbeck syndrome. Also called: Imerslund-Gräsbeck syndrome; ENTEROCYTE COBALAMIN MALABSORPTION; ENTEROCYTE INTRINSIC FACTOR RECEPTOR, DEFECT OF; PERNICIOUS ANEMIA, JUVENILE, DUE TO SELECTIVE INTESTINAL MALABSORPTION OF VITAMIN B12, WITH PROTEINURIA; Megaloblastic anemia due to inborn errors of metabolism. Identifiers: Orphanet 35858, MedGen C4551825, MONDO:0009853.

Allele frequency attached by ClinVar (database versions not stated): gnomAD exomes below 0.00001 and 0.00001; TOPMed below 0.00001; ExAC 0.00002.

Submissions (2):

Labcorp Genetics (formerly Invitae), Labcorp
Classification: Pathogenic for Imerslund-Grasbeck syndrome. Last evaluated: 2024-01-27. Review status: criteria provided, single submitter. Criteria: Invitae Variant Classification Sherloc (09022015). Collection method: clinical testing. Allele origin: germline.
Comment: This sequence change creates a premature translational stop signal (p.Gln12Argfs*5) in the AMN gene. It is expected to result in an absent or disrupted protein product. Loss-of-function variants in AMN are known to be pathogenic (PMID: 12590260, 22929189). This variant is present in population databases (rs769770182, gnomAD 0.001%). This premature translational stop signal has been observed in individual(s) with Imerslund-Gräsbeck syndrome (PMID: 26040326). ClinVar contains an entry for this variant (Variation ID: 873125). For these reasons, this variant has been classified as Pathogenic.

OMIM
Classification: Pathogenic for IMERSLUND-GRASBECK SYNDROME 2. Last evaluated: 2020-05-19. Review status: no assertion criteria provided. Collection method: literature only. Allele origin: germline. Not counted in ClinVar's aggregate classification.

Literature cited by the submitters: PubMed 12590260 (cited by Labcorp Genetics (formerly Invitae), Labcorp); PubMed 22929189 (cited by Labcorp Genetics (formerly Invitae), Labcorp); PubMed 26040326 (cited by Labcorp Genetics (formerly Invitae), Labcorp and OMIM).